The following is an entry in ClinVar:

NM_000179.3(MSH6):c.900G>A (p.Arg300=)

Gene: MSH6 (mutS homolog 6; plus strand). Cytogenetic location: 2p16.3.
Variant type: single nucleotide variant.
Coding change: c.900G>A on transcript NM_000179.3 (MANE Select); coding-DNA position 900, G replaced by A.
Protein change: p.Arg300=; no amino-acid change (arginine 300 retained).
Molecular consequence: synonymous variant. On other transcripts: 5 prime UTR variant (2).
Genome position (GRCh38, 1-based): chr2:47,798,883, G>A. VCF-style: chr2-47798883-G-A. GRCh37 (hg19) VCF-style: chr2-48026022-G-A.
Other names: c.510G>A, p.Arg170= (NM_001281492.2); c.-7G>A (NM_001281493.2, NM_001281494.2).
Identifiers: ClinVar variation 737905 (VCV000737905.14), dbSNP rs1572720790, ClinGen allele CA426120986.

ClinVar aggregate classification (germline): Benign/Likely benign. Review status: criteria provided, multiple submitters, no conflicts (2 of 4 stars). 4 submissions from 4 submitters: Benign (1); Likely benign (3). Last evaluated 2025-08-10.

Conditions:
Hereditary cancer-predisposing syndrome. Also called: Neoplastic Syndromes, Hereditary; Hereditary Cancer Syndrome; Tumor predisposition; Hereditary neoplastic syndrome. Identifiers: Orphanet 140162, MedGen C0027672, MeSH D009386, MONDO:0015356.
Lynch syndrome 5 (LYNCH5). Also called: Colorectal cancer, hereditary nonpolyposis, type 5; Hereditary non-polyposis colorectal cancer, type 5. Identifiers: Orphanet 144, MedGen C1833477, MONDO:0013710, OMIM 614350. Disease mechanism: loss of function.
Hereditary nonpolyposis colorectal neoplasms. Identifiers: MedGen C0009405, MeSH D003123.

Allele frequency attached by ClinVar (database versions not stated): TOPMed below 0.00001.

Submissions (4):

Color Diagnostics, LLC DBA Color Health
Classification: Likely benign for Hereditary cancer-predisposing syndrome. Last evaluated: 2025-08-10. Review status: criteria provided, single submitter. Criteria: ACMG Guidelines, 2015. Collection method: clinical testing. Allele origin: germline.

Myriad Genetics, Inc.
Classification: Benign for Lynch syndrome 5. Last evaluated: 2024-12-20. Review status: criteria provided, single submitter. Criteria: Myriad Autosomal Dominant, Autosomal Recessive and X-Linked Classification Criteria (2023). Collection method: clinical testing. Allele origin: unknown.
Comment: This variant is considered benign. This variant is a silent/synonymous amino acid change and it is not expected to impact splicing.

Labcorp Genetics (formerly Invitae), Labcorp
Classification: Likely benign for Hereditary nonpolyposis colorectal neoplasms. Last evaluated: 2024-05-31. Review status: criteria provided, single submitter. Criteria: Invitae Variant Classification Sherloc (09022015). Collection method: clinical testing. Allele origin: germline.

Ambry Genetics
Classification: Likely benign for Hereditary cancer-predisposing syndrome. Last evaluated: 2021-03-17. Review status: criteria provided, single submitter. Criteria: Ambry Variant Classification Scheme 2023. Collection method: clinical testing. Allele origin: germline.